The following is an entry in ClinVar:

ClinVar aggregate classification (germline): Pathogenic. Review status: criteria provided, multiple submitters, no conflicts (2 of 4 stars). 3 submissions from 3 submitters: Pathogenic (2). 1 of the submissions does not count toward it. Last evaluated 2025-11-12.

Conditions:
Hereditary factor IX deficiency disease (HEMB). Also called: F9 DEFICIENCY; FACTOR IX DEFICIENCY; Christmas Disease; PLASMA THROMBOPLASTIN COMPONENT DEFICIENCY; Hemophilia B. Identifiers: Orphanet 98879, MedGen C0008533, MeSH D002836, MONDO:0010604, OMIM 306900.

Allele frequency attached by ClinVar (database versions not stated): TOPMed 0.00001.

Submissions (3):

Natera, Inc.
Classification: Pathogenic for Hemophilia B. Last evaluated: 2025-11-12. Review status: criteria provided, single submitter. Criteria: Natera Variant Classification Schema (03/2026). Collection method: clinical testing. Allele origin: germline.
Comment: The c.252+5G>A variant in F9 is an intronic variant located outside the canonical splice sites. This variant is rare in the general population with a frequency below the threshold expected for the associated phenotype(s). This variant has been observed in affected individual(s) with monoallelic occurrence (heterozygous/hemizygous) (PMID: 27213901, 2592998, 15921378, 33760382). This variant has been confirmed as or assumed to be a de novo occurrence in one or more affected individuals (PMID: 33760382). Functional studies show that this variant may disrupt protein function (PMID: 26063760). Computational prediction algorithms indicate this variant is likely to affect gene or protein function. Given the available evidence, this variant is classified as Pathogenic.

ARUP Laboratories, Molecular Genetics and Genomics, ARUP Laboratories
Classification: Pathogenic. Last evaluated: 2018-12-04. Review status: criteria provided, single submitter. Criteria: ARUP Molecular Germline Variant Investigation Process. Collection method: clinical testing. Allele origin: germline.

Angelo Bianchi Bonomi Hemophilia and Thrombosis Center, Fondazione IRCCS Ca Granda Ospedale Maggiore Policlinico
Classification: Pathogenic for Hereditary factor IX deficiency disease. Last evaluated: 2019-06-01. Review status: no assertion criteria provided. Collection method: clinical testing. Allele origin: germline. Affected: yes. Observed: 1 variant allele. Not counted in ClinVar's aggregate classification.

Literature cited by the submitters: PubMed 27213901 (cited by Natera, Inc. and Angelo Bianchi Bonomi Hemophilia and Thrombosis Center, Fondazione IRCCS Ca Granda Ospedale Maggiore Policlinico); PubMed 2592998 (cited by Natera, Inc.); PubMed 15921378 (cited by Natera, Inc. and Angelo Bianchi Bonomi Hemophilia and Thrombosis Center, Fondazione IRCCS Ca Granda Ospedale Maggiore Policlinico); PubMed 33760382 (cited by Natera, Inc.); PubMed 26063760 (cited by Natera, Inc.); PubMed 8055323 (cited by Angelo Bianchi Bonomi Hemophilia and Thrombosis Center, Fondazione IRCCS Ca Granda Ospedale Maggiore Policlinico); PubMed 1968152 (cited by Angelo Bianchi Bonomi Hemophilia and Thrombosis Center, Fondazione IRCCS Ca Granda Ospedale Maggiore Policlinico); PubMed 16270648 (cited by Angelo Bianchi Bonomi Hemophilia and Thrombosis Center, Fondazione IRCCS Ca Granda Ospedale Maggiore Policlinico).

NM_000133.4(F9):c.252+5G>A

Gene: F9 (coagulation factor IX; plus strand). Cytogenetic location: Xq27.1.
Variant type: single nucleotide variant.
Coding change: c.252+5G>A on transcript NM_000133.4 (MANE Select); 5 bases into the intron after coding-DNA position 252, G replaced by A.
Molecular consequence: intron variant.
Genome position (GRCh38, 1-based): chrX:139,537,178, G>A. VCF-style: chrX-139537178-G-A. GRCh37 (hg19) VCF-style: chrX-138619337-G-A.
Other names: c.252+5G>A (NM_001313913.2).
Identifiers: ClinVar variation 811509 (VCV000811509.12), dbSNP rs1266788575, ClinGen allele CA872116243.